The following is an entry in ClinVar:

NM_004589.4(SCO1):c.881T>A (p.Met294Lys)

Gene: SCO1 (synthesis of cytochrome C oxidase 1; minus strand). Cytogenetic location: 17p13.1.
Variant type: single nucleotide variant.
Coding change: c.881T>A on transcript NM_004589.4 (MANE Select); coding-DNA position 881, T replaced by A.
Protein change: p.Met294Lys; replaces methionine 294 with lysine.
Molecular consequence: missense variant.
Genome position (GRCh38, 1-based): chr17:10,681,144, A>T on the plus strand (T>A on the coding strand, the complement: SCO1 is on the minus strand). VCF-style: chr17-10681144-A-T. GRCh37 (hg19) VCF-style: chr17-10584461-A-T.
Other names: c.881T>A (NM_004589.2); short protein forms M294K.
Identifiers: ClinVar variation 811095 (VCV000811095.17), dbSNP rs775176412, ClinGen allele CA8393452.

ClinVar aggregate classification (germline): Uncertain significance. Review status: criteria provided, multiple submitters, no conflicts (2 of 4 stars). 4 submissions from 4 submitters: Uncertain significance (4). Last evaluated 2024-06-20.

Conditions:
Inborn genetic diseases. Identifiers: MedGen C0950123, MeSH D030342.
Mitochondrial complex IV deficiency, nuclear type 4. Also called: Mitochondrial complex 4 deficiency, nuclear type 4. Identifiers: MedGen C5436683, MONDO:0033636, OMIM 619048.

Allele frequency attached by ClinVar (database versions not stated): ExAC 0.00001; gnomAD 0.00001; gnomAD exomes 0.00002 and 0.00004; TOPMed 0.00002.
gnomAD v4.1: 56 of 1,614,058 alleles (0.0035%); highest among the groups gnomAD compares: Non-Finnish European, 0.0046%; no homozygotes.

Submissions (4):

Fulgent Genetics
Classification: Uncertain significance for Mitochondrial complex IV deficiency, nuclear type 4. Last evaluated: 2024-06-20. Review status: criteria provided, single submitter. Criteria: ACMG Guidelines, 2015. Collection method: clinical testing. Allele origin: germline.

Ambry Genetics
Classification: Uncertain significance for Inborn genetic diseases. Last evaluated: 2024-05-15. Review status: criteria provided, single submitter. Criteria: Ambry Variant Classification Scheme 2023. Collection method: clinical testing. Allele origin: germline.

Labcorp Genetics (formerly Invitae), Labcorp
Classification: Uncertain significance. Last evaluated: 2021-12-02. Review status: criteria provided, single submitter. Criteria: Invitae Variant Classification Sherloc (09022015). Collection method: clinical testing. Allele origin: germline.
Comment: In summary, the available evidence is currently insufficient to determine the role of this variant in disease. Therefore, it has been classified as a Variant of Uncertain Significance. Algorithms developed to predict the effect of missense changes on protein structure and function are either unavailable or do not agree on the potential impact of this missense change (SIFT: "Deleterious"; PolyPhen-2: "Benign"; Align-GVGD: "Class C35"). ClinVar contains an entry for this variant (Variation ID: 811095). This variant has not been reported in the literature in individuals affected with SCO1-related conditions. This variant is present in population databases (rs775176412, gnomAD 0.002%). This sequence change replaces methionine, which is neutral and non-polar, with lysine, which is basic and polar, at codon 294 of the SCO1 protein (p.Met294Lys).

ARUP Laboratories, Molecular Genetics and Genomics, ARUP Laboratories
Classification: Uncertain significance. Last evaluated: 2018-07-31. Review status: criteria provided, single submitter. Criteria: ARUP Molecular Germline Variant Investigation Process. Collection method: clinical testing. Allele origin: germline.
Comment: The SCO1 .881T>A; p.Met294Lys variant (rs775176412), to our knowledge, has not been reported in the medical literature or gene specific databases. However, a different variant at the same codon, p.Met294Val, has been reported in a patient with a fatal infantile encephalopathy and who was compound heterozygous for p.Met294Val and a loss of function allele in SCO1 (p.Val93Ter; Leary 2013). Functional characterization of p.Met294Val protein revealed a decrease in cytochrome c oxidase (complex IV) activity, although the authors note that the reduction in activity is modest, and that pathogenicity of missense variants may be related to residual activity (Leary 2013). The p.Met294Lys variant identified in this case is found in the general population with an allele frequency in non-Finnish Europeans of 0.002% (2/111,692 alleles) in the Genome Aggregation Database. The methionine at codon 294 is moderately conserved and computational analyses (SIFT, PolyPhen-2) predict that the substituted lysine is deleterious. However, based on the available information, the clinical significance of this variant is uncertain.